The following is an entry in ClinVar:

NM_006922.4(SCN3A):c.3515-9G>T

Gene: SCN3A (sodium voltage-gated channel alpha subunit 3; minus strand). Cytogenetic location: 2q24.3.
Variant type: single nucleotide variant.
Coding change: c.3515-9G>T on transcript NM_006922.4 (MANE Select); 9 bases into the intron before coding-DNA position 3515, G replaced by T.
Molecular consequence: intron variant.
Genome position (GRCh38, 1-based): chr2:165,113,979, C>A on the plus strand (G>T on the coding strand, the complement: SCN3A is on the minus strand). VCF-style: chr2-165113979-C-A. GRCh37 (hg19) VCF-style: chr2-165970489-C-A.
Other names: c.3368-9G>T (NM_001081676.2, NM_001081677.2).
Identifiers: ClinVar variation 412608 (VCV000412608.12), dbSNP rs370865394, ClinGen allele CA16610255.

ClinVar aggregate classification (germline): Likely benign. Review status: criteria provided, multiple submitters, no conflicts (2 of 4 stars). 3 submissions from 3 submitters: Likely benign (3). Last evaluated 2025-12-26.

Allele frequency attached by ClinVar (database versions not stated): gnomAD exomes below 0.00001; gnomAD 0.00002 and 0.00003; TOPMed 0.00003.
gnomAD v4.1: 17 of 1,509,900 alleles (0.0011%); highest among the groups gnomAD compares: Admixed American, 0.0069%; 1 homozygote.

Submissions (3):

Labcorp Genetics (formerly Invitae), Labcorp
Classification: Likely benign. Last evaluated: 2025-12-26. Review status: criteria provided, single submitter. Criteria: Invitae Variant Classification Sherloc (09022015). Collection method: clinical testing. Allele origin: germline.

Blueprint Genetics
Classification: Likely benign. Last evaluated: 2024-11-07. Review status: criteria provided, single submitter. Criteria: ACMG Guidelines, 2015. Collection method: clinical testing. Allele origin: germline.

GeneDx
Classification: Likely benign. Last evaluated: 2017-10-20. Review status: criteria provided, single submitter. Criteria: GeneDx Variant Classification (06012015). Collection method: clinical testing. Allele origin: germline. Affected: yes.
Comment: This variant is considered likely benign or benign based on one or more of the following criteria: it is a conservative change, it occurs at a poorly conserved position in the protein, it is predicted to be benign by multiple in silico algorithms, and/or has population frequency not consistent with disease.